The following is an entry in ClinVar:

NM_001164665.2(KIAA1549):c.74C>T (p.Pro25Leu)

Gene: KIAA1549 (KIAA1549; minus strand). Cytogenetic location: 7q34.
Variant type: single nucleotide variant.
Coding change: c.74C>T on transcript NM_001164665.2 (MANE Select); coding-DNA position 74, C replaced by T.
Protein change: p.Pro25Leu; replaces proline 25 with leucine.
Molecular consequence: missense variant.
Genome position (GRCh38, 1-based): chr7:138,981,196, G>A on the plus strand (C>T on the coding strand, the complement: KIAA1549 is on the minus strand). VCF-style: chr7-138981196-G-A. GRCh37 (hg19) VCF-style: chr7-138665942-G-A.
Other names: c.74C>T, p.Pro25Leu (NM_020910.3); short protein forms P25L.
Identifiers: ClinVar variation 1924258 (VCV001924258.6), dbSNP rs1192259253, ClinGen allele CA369382516.

ClinVar aggregate classification (germline): Uncertain significance. Review status: criteria provided, multiple submitters, no conflicts (2 of 4 stars). 4 submissions from 4 submitters: Uncertain significance (4). Last evaluated 2024-08-26.

Conditions:
Inborn genetic diseases. Identifiers: MedGen C0950123, MeSH D030342.
Retinal dystrophy. Also called: Inherited retinal dystrophy. Identifiers: Orphanet 71862, MedGen C0854723, MeSH D058499, MONDO:0019118, HP:0000556.

Allele frequency attached by ClinVar (database versions not stated): gnomAD 0.00002; TOPMed 0.00003.
gnomAD v4.1: 42 of 1,064,612 alleles (0.0039%); highest among the groups gnomAD compares: Non-Finnish European, 0.0048%; no homozygotes.

Submissions (4):

Blueprint Genetics
Classification: Uncertain significance. Last evaluated: 2024-08-26. Review status: criteria provided, single submitter. Criteria: ACMG Guidelines, 2015. Collection method: clinical testing. Allele origin: germline.

Dept Of Ophthalmology, Nagoya University
Classification: Uncertain significance for Retinal dystrophy. Last evaluated: 2023-10-01. Review status: criteria provided, single submitter. Criteria: Submitter's publication. Collection method: research. Allele origin: germline. Affected: yes.

Labcorp Genetics (formerly Invitae), Labcorp
Classification: Uncertain significance. Last evaluated: 2022-07-09. Review status: criteria provided, single submitter. Criteria: Invitae Variant Classification Sherloc (09022015). Collection method: clinical testing. Allele origin: germline.
Comment: In summary, the available evidence is currently insufficient to determine the role of this variant in disease. Therefore, it has been classified as a Variant of Uncertain Significance. Algorithms developed to predict the effect of missense changes on protein structure and function (SIFT, PolyPhen-2, Align-GVGD) all suggest that this variant is likely to be tolerated. This variant has not been reported in the literature in individuals affected with KIAA1549-related conditions. This variant is present in population databases (no rsID available, gnomAD 0.01%). This sequence change replaces proline, which is neutral and non-polar, with leucine, which is neutral and non-polar, at codon 25 of the KIAA1549 protein (p.Pro25Leu).

Ambry Genetics
Classification: Uncertain significance for Inborn genetic diseases. Last evaluated: 2021-11-15. Review status: criteria provided, single submitter. Criteria: Ambry Variant Classification Scheme 2023. Collection method: clinical testing. Allele origin: germline.